The following is an entry in ClinVar:

NM_000206.3(IL2RG):c.52del (p.Leu18fs)

Genes: IL2RG (interleukin 2 receptor subunit gamma; minus strand), LOC126863274 (MED14-independent group 3 enhancer GRCh37_chrX:70330888-70332087; plus strand). Cytogenetic location: Xq13.1.
Variant type: Deletion.
Coding change: c.52del on transcript NM_000206.3 (MANE Select); coding-DNA position 52, one base deleted (C; older notation c.52delC).
Protein change: p.Leu18fs; shifts the reading frame from leucine 18.
Molecular consequence: frameshift variant.
Genome position (GRCh38, 1-based): chrX:71,111,488, G deleted on the plus strand (C on the coding strand, the reverse complement: IL2RG is on the minus strand); the first of 4 consecutive G bases (chrX:71,111,488-71,111,491); deleting any one gives the same sequence. VCF-style (leftmost placement, unchanged base first): chrX-71111487-AG-A. GRCh37 (hg19) VCF-style: chrX-70331337-AG-A.
Other names: short protein forms L18fs.
Identifiers: ClinVar variation 1457994 (VCV001457994.8), dbSNP rs2147751877, ClinGen allele CA2573159603.

ClinVar aggregate classification (germline): Pathogenic (1 of 4 stars; one submission).

Conditions:
X-linked severe combined immunodeficiency (SCIDX1). Also called: IMMUNODEFICIENCY 4; SCID, X-LINKED; SEVERE COMBINED IMMUNODEFICIENCY, X-LINKED, T CELL-NEGATIVE, B CELL-POSITIVE, NK CELL-NEGATIVE; T-B+ severe combined immunodeficiency due to gamma chain deficiency; X-Linked Combined Immunodeficiency Diseases. Identifiers: Orphanet 276, MedGen C6022468, MONDO:0010315, OMIM 300400. Disease mechanism: loss of function.

Submission:

Labcorp Genetics (formerly Invitae), Labcorp
Classification: Pathogenic for X-linked severe combined immunodeficiency. Last evaluated: 2021-05-28. Review status: criteria provided, single submitter. Criteria: Invitae Variant Classification Sherloc (09022015). Collection method: clinical testing. Allele origin: germline.
Comment: For these reasons, this variant has been classified as Pathogenic. This variant has been observed in individual(s) with clinical features of X-linked recessive severe combined immunodeficiency (PMID: 27566612). This variant is not present in population databases (ExAC no frequency). This sequence change creates a premature translational stop signal (p.Leu18Cysfs*6) in the IL2RG gene. It is expected to result in an absent or disrupted protein product. Loss-of-function variants in IL2RG are known to be pathogenic (PMID: 9058718, 10794430).

Literature cited by the submitters: PubMed 27566612; PubMed 9058718; PubMed 10794430.